The following is an entry in ClinVar:

NM_004333.6(BRAF):c.1950G>C (p.Met650Ile)

Gene: BRAF (B-Raf proto-oncogene, serine/threonine kinase; minus strand). Cytogenetic location: 7q34.
Variant type: single nucleotide variant.
Coding change: c.1950G>C on transcript NM_004333.6 (MANE Select); coding-DNA position 1950, G replaced by C.
Protein change: p.Met650Ile; replaces methionine 650 with isoleucine.
Molecular consequence: missense variant.
Genome position (GRCh38, 1-based): chr7:140,749,329, C>G on the plus strand (G>C on the coding strand, the complement: BRAF is on the minus strand). VCF-style: chr7-140749329-C-G. GRCh37 (hg19) VCF-style: chr7-140449129-C-G.
Other names: p.Met650Ile; c.1950G>C, p.Met650Ile (NM_001354609.2, NM_001378468.1, NM_001378474.1); c.2070G>C, p.Met690Ile (NM_001374244.1, NM_001374258.1); c.1959G>C, p.Met653Ile (NM_001378467.1); c.1884G>C, p.Met628Ile (NM_001378469.1); c.1848G>C, p.Met616Ile (NM_001378470.1); c.1839G>C, p.Met613Ile (NM_001378471.1); c.1794G>C, p.Met598Ile (NM_001378472.1, NM_001378473.1); and 1 more; short protein forms M650I, M562I, M598I, M613I, M616I, M628I, M653I, M690I.
Identifiers: ClinVar variation 252627 (VCV000252627.11), dbSNP rs879255380, ClinGen allele CA10585996.
Genomic context (GRCh38, chr7:140,749,329, plus strand): 5'-GACGTGGTAAATATTTACCTGGTCCCTGTTGTTGATGTTTGAATAAGGTAACTGTCCAGT[C>G]ATCAATTCATACAGAACAATTCCAAATGCATATACATCTGACTGAAAGCTGTATGGATTT-3'
Protein context (NP_004324.2, residues 640-660): YAFGIVLYEL[Met650Ile]TGQLPYSNIN

ClinVar aggregate classification (germline): Uncertain significance. Review status: criteria provided, multiple submitters, no conflicts (2 of 4 stars). 3 submissions from 3 submitters: Uncertain significance (3). Last evaluated 2024-11-09.

Conditions:
RASopathy. Also called: Noonan spectrum disorder; rasopathies. Identifiers: Orphanet 536391, MedGen C5555857, MONDO:0021060.

Allele frequency attached by ClinVar (database versions not stated): gnomAD exomes below 0.00001.
gnomAD v4.1: 2 of 1,612,324 alleles (0.00012%); highest among the groups gnomAD compares: Non-Finnish European, 0.00017%; no homozygotes.

Submissions (3):

Labcorp Genetics (formerly Invitae), Labcorp
Classification: Uncertain significance for RASopathy. Last evaluated: 2024-11-09. Review status: criteria provided, single submitter. Criteria: Invitae Variant Classification Sherloc (09022015). Collection method: clinical testing. Allele origin: germline.
Comment: This sequence change replaces methionine, which is neutral and non-polar, with isoleucine, which is neutral and non-polar, at codon 650 of the BRAF protein (p.Met650Ile). This variant is not present in population databases (gnomAD no frequency). This variant has not been reported in the literature in individuals affected with BRAF-related conditions. ClinVar contains an entry for this variant (Variation ID: 252627). Invitae Evidence Modeling of protein sequence and biophysical properties (such as structural, functional, and spatial information, amino acid conservation, physicochemical variation, residue mobility, and thermodynamic stability) indicates that this missense variant is not expected to disrupt BRAF protein function with a negative predictive value of 80%. In summary, the available evidence is currently insufficient to determine the role of this variant in disease. Therefore, it has been classified as a Variant of Uncertain Significance.

Mayo Clinic Laboratories, Mayo Clinic
Classification: Uncertain significance. Last evaluated: 2024-06-17. Review status: criteria provided, single submitter. Criteria: ACMG Guidelines, 2015. Collection method: clinical testing. Allele origin: germline. Observed: 1 variant allele.
Comment: PP2, PM2

Genomic Diagnostic Laboratory, Division of Genomic Diagnostics, Children's Hospital of Philadelphia
Classification: Uncertain significance. Last evaluated: 2015-07-30. Review status: criteria provided, single submitter. Criteria: DGD Variant Analysis Guidelines. Collection method: clinical testing. Allele origin: unknown.